The following is an entry in ClinVar:

NM_004329.3(BMPR1A):c.1055C>T (p.Thr352Ile)

Gene: BMPR1A (bone morphogenetic protein receptor type 1A; plus strand). Cytogenetic location: 10q23.2.
Variant type: single nucleotide variant.
Coding change: c.1055C>T on transcript NM_004329.3 (MANE Select); coding-DNA position 1055, C replaced by T.
Protein change: p.Thr352Ile; replaces threonine 352 with isoleucine.
Molecular consequence: missense variant.
Genome position (GRCh38, 1-based): chr10:86,919,358, C>T. VCF-style: chr10-86919358-C-T. GRCh37 (hg19) VCF-style: chr10-88679115-C-T.
Other names: short protein forms T352I.
Identifiers: ClinVar variation 924031 (VCV000924031.6), dbSNP rs1843626622, ClinGen allele CA377460721.

ClinVar aggregate classification (germline): Uncertain significance. Review status: criteria provided, multiple submitters, no conflicts (2 of 4 stars). 2 submissions from 2 submitters: Uncertain significance (2). Last evaluated 2024-02-08.

Conditions:
Juvenile polyposis syndrome (JPS). Identifiers: Orphanet 2929, MedGen C0345893, MONDO:0017380, OMIM 174900.
Hereditary cancer-predisposing syndrome. Also called: Hereditary Cancer Syndrome; Hereditary neoplastic syndrome; Neoplastic Syndromes, Hereditary; Tumor predisposition. Identifiers: Orphanet 140162, MedGen C0027672, MeSH D009386, MONDO:0015356.

Submissions (2):

All of Us Research Program, National Institutes of Health
Classification: Uncertain significance for Juvenile polyposis syndrome. Last evaluated: 2024-02-08. Review status: criteria provided, single submitter. Criteria: ACMG Guidelines, 2015. Collection method: clinical testing. Allele origin: germline. Inheritance: Autosomal dominant inheritance. Observed: 1 variant allele, 1 heterozygote.
Comment: This missense variant replaces threonine with isoleucine at codon 352 of the BMPR1A protein. Computational prediction tools and conservation analyses suggest that this variant may have deleterious impact on the protein function. Computational splicing tools suggest that this variant may not impact RNA splicing. To our knowledge, functional assays have not been performed for this variant nor has this variant been reported in individuals affected with hereditary cancer in the literature. This variant has not been identified in the general population by the Genome Aggregation Database (gnomAD). Available evidence is insufficient to determine the role of this variant in disease conclusively. Therefore, this variant is classified as a Variant of Uncertain Significance.

This study involves interpretation of variants in research participants for the purpose of population health screening. Participant phenotype was not available at the time of variant classification. Additional details can be found in publication PMID: 35346344, PMCID: PMC8962531

Color Diagnostics, LLC DBA Color Health
Classification: Uncertain significance for Hereditary cancer-predisposing syndrome. Last evaluated: 2023-12-05. Review status: criteria provided, single submitter. Criteria: ACMG Guidelines, 2015. Collection method: clinical testing. Allele origin: germline.
Comment: This missense variant replaces threonine with isoleucine at codon 352 of the BMPR1A protein. Computational prediction tools and conservation analyses suggest that this variant may have deleterious impact on the protein function. Computational splicing tools suggest that this variant may not impact RNA splicing. To our knowledge, functional assays have not been performed for this variant nor has this variant been reported in individuals affected with hereditary cancer in the literature. This variant has not been identified in the general population by the Genome Aggregation Database (gnomAD). Available evidence is insufficient to determine the role of this variant in disease conclusively. Therefore, this variant is classified as a Variant of Uncertain Significance.